The following is an entry in ClinVar:

ClinVar aggregate classification (germline): Uncertain significance. Review status: criteria provided, multiple submitters, no conflicts (2 of 4 stars). 2 submissions from 2 submitters: Uncertain significance (2). Last evaluated 2024-05-15.

Conditions:
Inborn genetic diseases. Identifiers: MedGen C0950123, MeSH D030342.

Submissions (2):

Ambry Genetics
Classification: Uncertain significance for Inborn genetic diseases. Last evaluated: 2024-05-15. Review status: criteria provided, single submitter. Criteria: Ambry Variant Classification Scheme 2023. Collection method: clinical testing. Allele origin: germline.

Labcorp Genetics (formerly Invitae), Labcorp
Classification: Uncertain significance. Last evaluated: 2024-05-09. Review status: criteria provided, single submitter. Criteria: Invitae Variant Classification Sherloc (09022015). Collection method: clinical testing. Allele origin: germline.
Comment: This sequence change replaces arginine, which is basic and polar, with cysteine, which is neutral and slightly polar, at codon 1250 of the WDR62 protein (p.Arg1250Cys). This variant is present in population databases (rs755558753, gnomAD 0.0009%). This variant has not been reported in the literature in individuals affected with WDR62-related conditions. Advanced modeling of protein sequence and biophysical properties (such as structural, functional, and spatial information, amino acid conservation, physicochemical variation, residue mobility, and thermodynamic stability) performed at Invitae indicates that this missense variant is not expected to disrupt WDR62 protein function with a negative predictive value of 95%. In summary, the available evidence is currently insufficient to determine the role of this variant in disease. Therefore, it has been classified as a Variant of Uncertain Significance.

NM_001083961.2(WDR62):c.3748C>T (p.Arg1250Cys)

Gene: WDR62 (WD repeat domain 62; plus strand). Cytogenetic location: 19q13.12.
Variant type: single nucleotide variant.
Coding change: c.3748C>T on transcript NM_001083961.2 (MANE Select); coding-DNA position 3748, C replaced by T.
Protein change: p.Arg1250Cys; replaces arginine 1250 with cysteine.
Molecular consequence: missense variant.
Genome position (GRCh38, 1-based): chr19:36,103,576, C>T. VCF-style: chr19-36103576-C-T. GRCh37 (hg19) VCF-style: chr19-36594478-C-T.
Other names: c.3733C>T, p.Arg1245Cys (NM_001411145.1, NM_173636.5); c.3499C>T, p.Arg1167Cys (NM_001411146.1); c.3397C>T, p.Arg1133Cys (NM_001411147.1); short protein forms R1245C, R1133C, R1167C, R1250C.
Identifiers: ClinVar variation 3332884 (VCV003332884.2).